The following is an entry in ClinVar:

NM_007118.4(TRIO):c.3886A>G (p.Ile1296Val)

Gene: TRIO (trio Rho guanine nucleotide exchange factor; plus strand). Cytogenetic location: 5p15.2.
Variant type: single nucleotide variant.
Coding change: c.3886A>G on transcript NM_007118.4 (MANE Select); coding-DNA position 3886, A replaced by G.
Protein change: p.Ile1296Val; replaces isoleucine 1296 with valine.
Molecular consequence: missense variant. On other transcripts: non-coding transcript variant (1).
Genome position (GRCh38, 1-based): chr5:14,388,617, A>G. VCF-style: chr5-14388617-A-G. GRCh37 (hg19) VCF-style: chr5-14388726-A-G.
Other names: short protein forms I1296V.
Identifiers: ClinVar variation 3029967 (VCV003029967.2), dbSNP rs2532866023, ClinGen allele CA359227774.

ClinVar aggregate classification (germline): Uncertain significance (0 of 4 stars; one submission).

Conditions:
TRIO-related disorder. Also called: TRIO-related disorders; TRIO-related condition.

gnomAD v4.1: 1 of 1,613,832 alleles (0.000062%); highest among the groups gnomAD compares: Non-Finnish European, 0.000085%; no homozygotes.

Submission:

PreventionGenetics, part of Exact Sciences
Classification: Uncertain significance for TRIO-related condition. Last evaluated: 2023-11-21. Review status: no assertion criteria provided. Collection method: clinical testing. Allele origin: germline.
Comment: The TRIO c.3886A>G variant is predicted to result in the amino acid substitution p.Ile1296Val. To our knowledge, this variant has not been reported in the literature or in a large population database, indicating this variant is rare. At this time, the clinical significance of this variant is uncertain due to the absence of conclusive functional and genetic evidence.